The following is an entry in ClinVar:

ClinVar aggregate classification (germline): Uncertain significance. Review status: criteria provided, multiple submitters, no conflicts (2 of 4 stars). 3 submissions from 3 submitters: Uncertain significance (3). Last evaluated 2025-03-11.

Conditions:
Developmental and epileptic encephalopathy, 1 (DEE1). Also called: X-linked infantile spasms; West's syndrome; Tonic spasms with clustering, arrest of psychomotor development and hypsarrhythmia on EEG; X-Linked Infantile Spasm Syndrome; OHTAHARA SYNDROME, X-LINKED; INFANTILE SPASM SYNDROME, X-LINKED 1. Identifiers: MedGen C3463992, MONDO:0010632, OMIM 308350. Disease mechanism: loss of function.
Developmental and epileptic encephalopathy, 9 (DEE9). Also called: Early infantile epileptic encephalopathy 9; EPILEPSY, FEMALE-RESTRICTED, WITH MENTAL RETARDATION; PCDH19-Related X-Linked Female-Limited Epilepsy with Mental Retardation; JUBERG-HELLMAN SYNDROME. Identifiers: Orphanet 101039, Orphanet 2076, MedGen C1848137, MONDO:0010246, OMIM 300088. Disease mechanism: loss of function.
Inborn genetic diseases. Identifiers: MedGen C0950123, MeSH D030342.

Allele frequency attached by ClinVar (database versions not stated): gnomAD exomes 0.00001 and 0.00005; ExAC 0.00002.
gnomAD v4.1: 50 of 1,212,148 alleles (0.0041%); highest among the groups gnomAD compares: Non-Finnish European, 0.0055%; no homozygotes.

Submissions (3):

Labcorp Genetics (formerly Invitae), Labcorp
Classification: Uncertain significance for Developmental and epileptic encephalopathy, 9. Last evaluated: 2025-03-11. Review status: criteria provided, single submitter. Criteria: Invitae Variant Classification Sherloc (09022015). Collection method: clinical testing. Allele origin: germline.
Comment: This sequence change replaces leucine, which is neutral and non-polar, with phenylalanine, which is neutral and non-polar, at codon 388 of the PCDH19 protein (p.Leu388Phe). This variant is present in population databases (rs763059359, gnomAD 0.003%). This missense change has been observed in individual(s) with PCDH19-related conditions (internal data). ClinVar contains an entry for this variant (Variation ID: 206328). Invitae Evidence Modeling of protein sequence and biophysical properties (such as structural, functional, and spatial information, amino acid conservation, physicochemical variation, residue mobility, and thermodynamic stability) indicates that this missense variant is not expected to disrupt PCDH19 protein function with a negative predictive value of 95%. In summary, the available evidence is currently insufficient to determine the role of this variant in disease. Therefore, it has been classified as a Variant of Uncertain Significance.

Ambry Genetics
Classification: Uncertain significance for Inborn genetic diseases. Last evaluated: 2024-11-13. Review status: criteria provided, single submitter. Criteria: Ambry Variant Classification Scheme 2023. Collection method: clinical testing. Allele origin: germline.

GeneDx
Classification: Uncertain significance. Last evaluated: 2024-07-03. Review status: criteria provided, single submitter. Criteria: GeneDx Variant Classification Process June 2021. Collection method: clinical testing. Allele origin: germline. Affected: yes.
Comment: In silico analysis supports that this missense variant has a deleterious effect on protein structure/function; Has not been previously published as pathogenic or benign to our knowledge

NM_001184880.2(PCDH19):c.1164G>T (p.Leu388Phe)

Gene: PCDH19 (protocadherin 19; minus strand). Cytogenetic location: Xq22.1.
Variant type: single nucleotide variant.
Coding change: c.1164G>T on transcript NM_001184880.2 (MANE Select); coding-DNA position 1164, G replaced by T.
Protein change: p.Leu388Phe; replaces leucine 388 with phenylalanine.
Molecular consequence: missense variant.
Genome position (GRCh38, 1-based): chrX:100,407,434, C>A on the plus strand (G>T on the coding strand, the complement: PCDH19 is on the minus strand). VCF-style: chrX-100407434-C-A. GRCh37 (hg19) VCF-style: chrX-99662432-C-A.
Other names: p.L388F:TTG>TTT; c.1164G>T, p.Leu388Phe (NM_001105243.2, NM_020766.3); short protein forms L388F.
Identifiers: ClinVar variation 206328 (VCV000206328.11), dbSNP rs763059359, ClinGen allele CA316339.